The following is an entry in ClinVar:

NM_002016.2(FLG):c.94G>T (p.Glu32Ter)

Genes: CCDST (cervical cancer associated DHX9 suppressive transcript; plus strand), FLG (filaggrin; minus strand). Cytogenetic location: 1q21.3.
Variant type: single nucleotide variant.
Coding change: c.94G>T on transcript NM_002016.2 (MANE Select); coding-DNA position 94, G replaced by T.
Protein change: p.Glu32Ter; replaces glutamic acid 32 with a stop codon.
Molecular consequence: nonsense.
Genome position (GRCh38, 1-based): chr1:152,315,363, C>A on the plus strand (G>T on the coding strand, the complement: FLG is on the minus strand). VCF-style: chr1-152315363-C-A. GRCh37 (hg19) VCF-style: chr1-152287839-C-A.
Other names: short protein forms E32*.
Identifiers: ClinVar variation 280469 (VCV000280469.23), dbSNP rs114733570, ClinGen allele CA1108108.
Genomic context (GRCh38, chr1:152,315,363, plus strand): 5'-TGTCAGAGACTCTTACCTTCAGGATTTGCCGAAATTCCTTTTCCAGAAGTTCCTTCAGCT[C>A]TTTTTTACTCAATGTGTCAGTGTTTTTATCTTTTTTTGAATATTGCTTGAAAAGATTAAT-3'

ClinVar aggregate classification (germline): Pathogenic/Likely pathogenic. Review status: criteria provided, multiple submitters, no conflicts (2 of 4 stars). 12 submissions from 12 submitters: Pathogenic (8); Likely pathogenic (4). Last evaluated 2026-08-01.

Conditions:
FLG-related disorder. Also called: FLG-related condition; FLG-related disorders.
Ichthyosis vulgaris. Also called: Dominant ichthyosis vulgaris; ICHTHYOSIS SIMPLEX. Identifiers: MedGen C0079584, MONDO:0024304, OMIM 146700.

Allele frequency attached by ClinVar (database versions not stated): gnomAD exomes 0.00012 and 0.00029; ExAC 0.00018; TOPMed 0.00019; 1000 Genomes Project 0.00020; gnomAD 0.00021; 1000 Genomes Project 30x 0.00031; ESP Exome Variant Server 0.00031.
gnomAD v4.1: 444 of 1,613,286 alleles (0.028%); highest among the groups gnomAD compares: Non-Finnish European, 0.037%; no homozygotes.

Submissions (12):

CeGaT Center for Human Genetics Tuebingen
Classification: Pathogenic. Last evaluated: 2026-08-01. Review status: criteria provided, single submitter. Criteria: CeGaT Center For Human Genetics Tuebingen Variant Classification Criteria Version 2. Collection method: clinical testing. Allele origin: germline. Affected: yes. Observed: 1 variant allele.
Comment: FLG: PVS1, PM3:Strong, PM2:Supporting

PreventionGenetics, part of Exact Sciences
Classification: Likely pathogenic for FLG-related condition. Last evaluated: 2025-12-27. Review status: criteria provided, single submitter. Criteria: ACMG Guidelines, 2015. Collection method: clinical testing. Allele origin: germline.
Comment: The FLG c.94G>T variant is predicted to result in premature protein termination (p.Glu32*). This variant has been reported in the compound heterozygous state in an individual with an asthma/eczema phenotypes in addition to neurological features unrelated to FLG (Patient 10a, Table S2, Torti et al. 2019. PubMed ID: 30739909). This variant is reported in 0.026% of alleles in individuals of European (Non-Finnish) descent in gnomAD. Nonsense variants in FLG are expected to be pathogenic. This variant is interpreted as likely pathogenic.

GeneDx
Classification: Pathogenic. Last evaluated: 2025-11-12. Review status: criteria provided, single submitter. Criteria: GeneDx Variant Classification Process June 2021. Collection method: clinical testing. Allele origin: germline. Affected: yes.
Comment: Nonsense variant predicted to result in protein truncation, as the last 4030 amino acid(s) are lost, and other loss-of-function variants have been reported downstream in HGMD; This variant is associated with the following publications: (PMID: 30739909, 31589614, 32018027, 31447099, 16444271, 38191074, 37200867, 38564302)

3billion
Classification: Pathogenic for Ichthyosis vulgaris. Last evaluated: 2025-05-15. Review status: criteria provided, single submitter. Criteria: ACMG Guidelines, 2015. Collection method: clinical testing. Allele origin: germline. Affected: yes.
Comment: The variant is observed at an extremely low frequency in the gnomAD v4.1.0 dataset (total allele frequency: 0.028%). Predicted Consequence/Location: Stop-gained (nonsense): predicted to result in a loss or disruption of normal protein function through protein truncation. The predicted truncated protein may be shortened by more than 10%. The variant has been reported at least twice as pathogenic with clinical assertions and evidence for the classification (ClinVar ID: VCV000280469). Therefore, this variant is classified as Pathogenic according to the recommendation of ACMG/AMP guideline.

Institute of Human Genetics, University of Leipzig Medical Center
Classification: Pathogenic for Ichthyosis vulgaris. Last evaluated: 2024-11-13. Review status: criteria provided, single submitter. Criteria: ACMG Guidelines, 2015. Collection method: clinical testing. Allele origin: unknown. Inheritance: Autosomal recessive inheritance. Affected: yes.
Comment: Criteria applied: PVS1,PM2,PM3

Blueprint Genetics
Classification: Pathogenic for FLG-related disorders. Last evaluated: 2024-08-21. Review status: criteria provided, single submitter. Criteria: ACMG Guidelines, 2015. Collection method: clinical testing. Allele origin: germline. Affected: yes. Observed: 5 variant alleles.

Greenwood Genetic Center Diagnostic Laboratories, Greenwood Genetic Center
Classification: Likely pathogenic for Ichthyosis vulgaris. Last evaluated: 2023-05-15. Review status: criteria provided, single submitter. Criteria: ACMG Guidelines, 2015. Collection method: clinical testing. Allele origin: germline. Affected: yes.
Comment: PVS1, PM2

Genome-Nilou Lab
Classification: Likely pathogenic for Ichthyosis vulgaris. Last evaluated: 2023-04-11. Review status: criteria provided, single submitter. Criteria: ACMG Guidelines, 2015. Collection method: clinical testing. Allele origin: germline. Affected: no.

Illumina Laboratory Services, Illumina
Classification: Likely pathogenic for FLG-related disorders. Last evaluated: 2020-06-23. Review status: criteria provided, single submitter. Criteria: ICSLVariantClassificationCriteria RUGD 01 April 2020. Collection method: clinical testing. Allele origin: unknown.
Comment: The FLG c.94G>T (p.Glu32Ter) variant is a stop-gained variant that is predicted to result in a premature termination of the protein. A literature search was performed for the gene, cDNA change, and amino acid change. No publications were found based on this search. This variant is reported at a frequency of 0.000264 in the European (non-Finnish) population of the Genome Aggregation Database. This allele frequency is high but is consistent with reduced penetrance and disease prevalence estimates. Based on the potential impact of truncating variants and application of ACMG criteria, the p.Glu32Ter variant is classified as likely pathogenic for FLG-related disorders.

Baylor Genetics
Classification: Pathogenic for Ichthyosis vulgaris. Last evaluated: 2019-09-06. Review status: criteria provided, single submitter. Criteria: ACMG Guidelines, 2015. Collection method: clinical testing. Allele origin: unknown. Affected: yes.
Comment: This variant was determined to be pathogenic according to ACMG Guidelines, 2015 [PMID:25741868].

Labcorp Genetics (formerly Invitae), Labcorp
Classification: Pathogenic. Last evaluated: 2019-02-21. Review status: criteria provided, single submitter. Criteria: Invitae Variant Classification Sherloc (09022015). Collection method: clinical testing. Allele origin: germline.
Comment: This sequence change results in a premature translational stop signal in the FLG gene (p.Glu32*). While this is not anticipated to result in nonsense mediated decay, it is expected to delete the last 4030 amino acids (>99%) of the FLG protein. This variant is present in population databases (rs114733570, ExAC 0.03%). This variant has not been reported in the literature in individuals with FLG-related disease. ClinVar contains an entry for this variant (Variation ID: 280469). Loss-of-function variants in FLG are known to be pathogenic (PMID: 16444271, 22409988). For these reasons, this variant has been classified as Pathogenic.

Human Genome Sequencing Center Clinical Lab, Baylor College of Medicine
Classification: Pathogenic for Ichthyosis vulgaris. Last evaluated: 2017-06-05. Review status: criteria provided, single submitter. Criteria: ACMG Guidelines, 2015. Collection method: clinical testing. Allele origin: germline.
Comment: This c.94G>T (p.Glu32*) variant in the FLG gene has been reported in ClinVar (SCV000330388.2) and has been observed in 5 heterozygous individuals in the ExAC database. This c.94G>T creates a stop codon at amino acid position 32 of the FLG gene (p.Glu32*), which is predicted to disrupt the function of the protein. Loss of function variants are disease-causing but the disorder is considered semidominant. Thus, heterozygous individuals may show a mild phenotype with incomplete penetrance. It is thus interpreted as a pathogenic variant with incomplete penetrance.